The following is an entry in ClinVar:

NM_001354930.2(RIPK1):c.1571C>T (p.Pro524Leu)

Gene: RIPK1 (receptor interacting serine/threonine kinase 1; plus strand). Cytogenetic location: 6p25.2.
Variant type: single nucleotide variant.
Coding change: c.1571C>T on transcript NM_001354930.2 (MANE Select); coding-DNA position 1571, C replaced by T.
Protein change: p.Pro524Leu; replaces proline 524 with leucine.
Molecular consequence: missense variant.
Genome position (GRCh38, 1-based): chr6:3,106,046, C>T. VCF-style: chr6-3106046-C-T. GRCh37 (hg19) VCF-style: chr6-3106280-C-T.
Other names: c.1082C>T, p.Pro361Leu (NM_001317061.3, NM_001354932.2, NM_001354933.2 and 1 more transcripts); c.1433C>T, p.Pro478Leu (NM_001354931.2); c.1571C>T, p.Pro524Leu (NM_003804.6); short protein forms P361L, P524L, P478L.
Identifiers: ClinVar variation 4765809 (VCV004765809.1).

ClinVar aggregate classification (germline): Uncertain significance (1 of 4 stars; one submission).

gnomAD v4.1: 18 of 1,598,596 alleles (0.0011%); highest among the groups gnomAD compares: Admixed American, 0.0034%; no homozygotes.

Submission:

Labcorp Genetics (formerly Invitae), Labcorp
Classification: Uncertain significance. Last evaluated: 2025-12-02. Review status: criteria provided, single submitter. Criteria: Invitae Variant Classification Sherloc (09022015). Collection method: clinical testing. Allele origin: germline.
Comment: This sequence change replaces proline, which is neutral and non-polar, with leucine, which is neutral and non-polar, at codon 524 of the RIPK1 protein (p.Pro524Leu). This variant is present in population databases (rs748885856, gnomAD 0.006%). This variant has not been reported in the literature in individuals affected with RIPK1-related conditions. An algorithm developed to predict the effect of missense changes on protein structure and function outputs the following: PolyPhen-2: "Benign". The leucine amino acid residue is found in multiple mammalian species, which suggests that this missense change does not adversely affect protein function. In summary, the available evidence is currently insufficient to determine the role of this variant in disease. Therefore, it has been classified as a Variant of Uncertain Significance.